The following is an entry in ClinVar:

NM_133459.4(CCBE1):c.655-7C>T

Gene: CCBE1 (collagen and calcium binding EGF domains 1; minus strand). Cytogenetic location: 18q21.32.
Variant type: single nucleotide variant.
Coding change: c.655-7C>T on transcript NM_133459.4 (MANE Select); 7 bases into the intron before coding-DNA position 655, C replaced by T.
Molecular consequence: intron variant.
Genome position (GRCh38, 1-based): chr18:59,448,110, G>A on the plus strand (C>T on the coding strand, the complement: CCBE1 is on the minus strand). VCF-style: chr18-59448110-G-A. GRCh37 (hg19) VCF-style: chr18-57115342-G-A.
Other names: c.655-7C>T (NM_133459.3).
Identifiers: ClinVar variation 1623570 (VCV001623570.10), dbSNP rs373230073, ClinGen allele CA8980372.
Genomic context (GRCh38, chr18:59,448,110, plus strand): 5'-GTCACCAGTGATATACTTGCCCAGGTCAGCTGCATTGTTGGGGAGCAGAGCAATCTGCAA[G>A]GAGAAGAGGAAGCCTCAGTCAGGAAGCAATGGCAGAAGAGAGCCTCGGCATTTGTCTTGG-3'

ClinVar aggregate classification (germline): Likely benign. Review status: criteria provided, single submitter (1 of 4 stars). 2 submissions from 2 submitters: Likely benign (1). 1 of the submissions does not count toward it. Last evaluated 2025-10-22.

Conditions:
CCBE1-related disorder. Also called: CCBE1-related condition.

Allele frequency attached by ClinVar (database versions not stated): gnomAD exomes 0.00003 and 0.00007; gnomAD 0.00005 and 0.00006; TOPMed 0.00005; ESP Exome Variant Server 0.00008; ExAC 0.00012.
gnomAD v4.1: 63 of 1,613,924 alleles (0.0039%); highest among the groups gnomAD compares: Middle Eastern, 0.049%; no homozygotes.

Submissions (2):

Labcorp Genetics (formerly Invitae), Labcorp
Classification: Likely benign. Last evaluated: 2025-10-22. Review status: criteria provided, single submitter. Criteria: Invitae Variant Classification Sherloc (09022015). Collection method: clinical testing. Allele origin: germline.

PreventionGenetics, part of Exact Sciences
Classification: Likely benign for CCBE1-related condition. Last evaluated: 2019-05-30. Review status: no assertion criteria provided. Collection method: clinical testing. Allele origin: germline. Not counted in ClinVar's aggregate classification.
Comment: This variant is classified as likely benign based on ACMG/AMP sequence variant interpretation guidelines (Richards et al. 2015 PMID: 25741868, with internal and published modifications).